The following is an entry in ClinVar:

ClinVar aggregate classification (germline): Benign/Likely benign. Review status: criteria provided, multiple submitters, no conflicts (2 of 4 stars). 8 submissions from 8 submitters: Benign (5); Likely benign (1). 2 of the submissions do not count toward it. Last evaluated 2026-02-04.

Allele frequency attached by ClinVar (database versions not stated): ESP Exome Variant Server 0.32454; gnomAD 0.34796 and 0.36122; TOPMed 0.35012; 1000 Genomes Project 30x 0.39585; 1000 Genomes Project 0.40575; ExAC 0.45698; gnomAD exomes 0.46989.
gnomAD v4.1: 713,260 of 1,611,088 alleles (44%); highest among the groups gnomAD compares: South Asian, 63%; 166,010 homozygotes.

Submissions (8):

Labcorp Genetics (formerly Invitae), Labcorp
Classification: Benign. Last evaluated: 2026-02-04. Review status: criteria provided, single submitter. Criteria: Invitae Variant Classification Sherloc (09022015). Collection method: clinical testing. Allele origin: germline.

Blueprint Genetics
Classification: Likely benign. Last evaluated: 2024-11-27. Review status: criteria provided, single submitter. Criteria: ACMG Guidelines, 2015. Collection method: clinical testing. Allele origin: germline.

Mayo Clinic Laboratories, Mayo Clinic
Classification: Benign. Last evaluated: 2022-09-06. Review status: criteria provided, single submitter. Criteria: ACMG Guidelines, 2015. Collection method: clinical testing. Allele origin: germline. Observed: 5 variant alleles.

Women's Health and Genetics/Laboratory Corporation of America, LabCorp
Classification: Benign. Last evaluated: 2021-07-08. Review status: criteria provided, single submitter. Criteria: LabCorp Variant Classification Summary - May 2015. Collection method: clinical testing. Allele origin: germline.

Laboratory for Molecular Medicine, Mass General Brigham Personalized Medicine
Classification: Benign. Last evaluated: 2016-03-28. Review status: criteria provided, single submitter. Criteria: LMM Criteria. Collection method: clinical testing. Allele origin: germline.
Comment: Variant identified in a genome or exome case(s) and assessed due to predicted null impact of the variant or pathogenic assertions in the literature or databases. Disclaimer: This variant has not undergone full assessment. The following are preliminary notes: MAF

Breakthrough Genomics
Classification: Benign. Review status: criteria provided, single submitter. Criteria: ACMG Guidelines, 2015. Collection method: not provided. Allele origin: germline. Inheritance: Autosomal recessive inheritance. Affected: yes.

Diagnostic Laboratory, Department of Genetics, University Medical Center Groningen
Classification: Benign. Review status: no assertion criteria provided. Collection method: clinical testing. Allele origin: germline. Affected: yes. Study: VKGL Data-share Consensus. Not counted in ClinVar's aggregate classification.

Joint Genome Diagnostic Labs from Nijmegen and Maastricht, Radboudumc and MUMC+
Classification: Benign. Review status: no assertion criteria provided. Collection method: clinical testing. Allele origin: germline. Affected: yes. Study: VKGL Data-share Consensus. Not counted in ClinVar's aggregate classification.

NM_001735.3(C5):c.1632C>T (p.Tyr544=)

Gene: C5 (complement C5; minus strand). Cytogenetic location: 9q33.2.
Variant type: single nucleotide variant.
Coding change: c.1632C>T on transcript NM_001735.3 (MANE Select); coding-DNA position 1632, C replaced by T.
Protein change: p.Tyr544=; no amino-acid change (tyrosine 544 retained).
Molecular consequence: synonymous variant.
Genome position (GRCh38, 1-based): chr9:121,017,727, G>A on the plus strand (C>T on the coding strand, the complement: C5 is on the minus strand). VCF-style: chr9-121017727-G-A. GRCh37 (hg19) VCF-style: chr9-123780005-G-A.
Other names: p.Tyr544=; c.1650C>T, p.Tyr550= (NM_001317163.2); c.1632C>T, p.Tyr544= (NM_001317164.2).
Identifiers: ClinVar variation 402455 (VCV000402455.22), dbSNP rs25681, ClinGen allele CA5218023.
Genomic context (GRCh38, chr9:121,017,727, plus strand): 5'-TTCAATATTTAACCAGACTGAATCAGACACTAATTCTGCTGTCTGTTCTCCTGTGACGAT[G>A]TAATAGACCAGAAGTCGGGATGAAGGAACCATGTTCTGTGTTACTGGAATGTTTATACTT-3'
Protein context (NP_001726.2, residues 534-554): MVPSSRLLVY[Tyr544=]IVTGEQTAEL